The following is an entry in ClinVar:

ClinVar aggregate classification (germline): Likely benign (1 of 4 stars; one submission).

Submission:

CeGaT Center for Human Genetics Tuebingen
Classification: Likely benign. Last evaluated: 2025-10-01. Review status: criteria provided, single submitter. Criteria: CeGaT Center For Human Genetics Tuebingen Variant Classification Criteria Version 2. Collection method: clinical testing. Allele origin: germline. Affected: yes. Observed: 1 variant allele.
Comment: ZNF292: PM2:Supporting, BP4, BP7

NM_015021.3(ZNF292):c.8106T>C (p.Asn2702=)

Gene: ZNF292 (zinc finger protein 292; plus strand). Cytogenetic location: 6q14.3.
Variant type: single nucleotide variant.
Coding change: c.8106T>C on transcript NM_015021.3 (MANE Select); coding-DNA position 8106, T replaced by C.
Protein change: p.Asn2702=; no amino-acid change (asparagine 2702 retained).
Molecular consequence: synonymous variant.
Genome position (GRCh38, 1-based): chr6:87,261,735, T>C. VCF-style: chr6-87261735-T-C. GRCh37 (hg19) VCF-style: chr6-87971453-T-C.
Other names: c.7686T>C, p.Asn2562= (NM_001351444.2).
Identifiers: ClinVar variation 4534464 (VCV004534464.6).